The following is an entry in ClinVar:

ClinVar aggregate classification (germline): Uncertain significance (1 of 4 stars; one submission).

gnomAD v4.1: 1 of 1,613,590 alleles (0.000062%); highest among the groups gnomAD compares: South Asian, 0.0011%; no homozygotes.

Submission:

Labcorp Genetics (formerly Invitae), Labcorp
Classification: Uncertain significance. Last evaluated: 2022-03-12. Review status: criteria provided, single submitter. Criteria: Invitae Variant Classification Sherloc (09022015). Collection method: clinical testing. Allele origin: germline.
Comment: In summary, the available evidence is currently insufficient to determine the role of this variant in disease. Therefore, it has been classified as a Variant of Uncertain Significance. Algorithms developed to predict the effect of sequence changes on RNA splicing suggest that this variant may disrupt the consensus splice site. This variant has not been reported in the literature in individuals affected with ACO2-related conditions. This variant is not present in population databases (gnomAD no frequency). This sequence change falls in intron 9 of the ACO2 gene. It does not directly change the encoded amino acid sequence of the ACO2 protein.

NM_001098.3(ACO2):c.1139-18C>G

Gene: ACO2 (aconitase 2; plus strand). Cytogenetic location: 22q13.2.
Variant type: single nucleotide variant.
Coding change: c.1139-18C>G on transcript NM_001098.3 (MANE Select); 18 bases into the intron before coding-DNA position 1139, C replaced by G.
Molecular consequence: intron variant.
Genome position (GRCh38, 1-based): chr22:41,522,812, C>G. VCF-style: chr22-41522812-C-G. GRCh37 (hg19) VCF-style: chr22-41918816-C-G.
Identifiers: ClinVar variation 2110468 (VCV002110468.4), dbSNP rs1399498885, ClinGen allele CA2580099826.